The following is an entry in ClinVar:

NM_000304.4(PMP22):c.248TCT[1] (p.Phe84del)

Gene: PMP22 (peripheral myelin protein 22; minus strand). Cytogenetic location: 17p12.
Variant type: Microsatellite.
Coding change: c.248TCT[1] on transcript NM_000304.4 (MANE Select); one copy of the 3-base unit TCT starting at c.248; the reference has two copies in a row; one copy, 3 bases deleted; also written c.251_253del.
Protein change: p.Phe84del; deletes phenylalanine 84.
Molecular consequence: inframe deletion. On other transcripts: non-coding transcript variant (2).
Genome position (GRCh38, 1-based): chr17:15,239,537-15,239,539, AGA deleted on the plus strand (TCT on the coding strand, the reverse complement: PMP22 is on the minus strand); deleting any 3 consecutive bases within chr17:15,239,537-15,239,543 gives the same sequence; the position shown is the placement nearest the transcript's 3' end. VCF-style (leftmost placement, unchanged base first): chr17-15239536-CAGA-C. GRCh37 (hg19) VCF-style: chr17-15142853-CAGA-C.
Other names: c.248TCT[1], p.Phe84del (NM_001281455.2, NM_001281456.2, NM_001330143.2 and 2 more transcripts); c.251_253del (NM_000304.2, NM_000304.3); short protein forms F84del.
Identifiers: ClinVar variation 637837 (VCV000637837.9), dbSNP rs1597607920, ClinGen allele CA915949582.

ClinVar aggregate classification (germline): Conflicting classifications of pathogenicity. Review status: criteria provided, conflicting classifications (1 of 4 stars). 4 submissions from 4 submitters: Likely pathogenic (1); Uncertain significance (1). 2 of the submissions do not count toward it. Last evaluated 2023-09-08.

Conditions:
Charcot-Marie-Tooth disease. Also called: Charcot-Marie-Tooth Hereditary Neuropathy; Charcot-Marie-Tooth Neuropathy. Identifiers: Orphanet 166, MedGen C0007959, MONDO:0015626.
Charcot-Marie-Tooth disease, type I (CMT1). Also called: Charcot-Marie-Tooth, Type 1; Charcot-Marie-Tooth disease type 1. Identifiers: Orphanet 65753, MedGen C0751036, MONDO:0019011.
Dejerine-Sottas disease. Also called: DEJERINE-SOTTAS NEUROPATHY; HEREDITARY MOTOR AND SENSORY NEUROPATHY TYPE III; HMSN Type III; Hereditary motor and sensory neuropathy 3; Charcot-Marie-Tooth disease type 3. Identifiers: Orphanet 64748, MedGen C0011195, MONDO:0007790, OMIM 145900.

Submissions (4):

GeneDx
Classification: Likely pathogenic. Last evaluated: 2023-09-08. Review status: criteria provided, single submitter. Criteria: GeneDx Variant Classification Process June 2021. Collection method: clinical testing. Allele origin: germline.
Comment: Not observed at significant frequency in large population cohorts (gnomAD); In-frame deletion of 1 amino acid in a non-repeat region; In silico analysis supports a deleterious effect on protein structure/function; This variant is associated with the following publications: (PMID: 11355152, 9633821)

Labcorp Genetics (formerly Invitae), Labcorp
Classification: Uncertain significance for Charcot-Marie-Tooth disease, type I. Last evaluated: 2022-07-19. Review status: criteria provided, single submitter. Criteria: Invitae Variant Classification Sherloc (09022015). Collection method: clinical testing. Allele origin: germline.
Comment: Experimental studies and prediction algorithms are not available or were not evaluated, and the functional significance of this variant is currently unknown. In summary, the available evidence is currently insufficient to determine the role of this variant in disease. Therefore, it has been classified as a Variant of Uncertain Significance. ClinVar contains an entry for this variant (Variation ID: 637837). This variant is also known as T300CT deletion. This variant has been observed in individual(s) with PMP22-related conditions (PMID: 9633821, 11355152). In at least one individual the variant was observed to be de novo. This variant is not present in population databases (gnomAD no frequency). This variant, c.251_253del, results in the deletion of 1 amino acid(s) of the PMP22 protein (p.Phe84del), but otherwise preserves the integrity of the reading frame.

Genesis Genome Database
Classification: Uncertain significance for Charcot-Marie-Tooth disease. Last evaluated: 2019-08-14. Review status: no assertion criteria provided. Collection method: research. Allele origin: germline. Affected: yes. Not counted in ClinVar's aggregate classification.

Inherited Neuropathy Consortium
Classification: Uncertain significance for Dejerine-Sottas disease. Review status: no assertion criteria provided. Collection method: literature only. Allele origin: germline. Affected: yes. Not counted in ClinVar's aggregate classification.

Literature cited by the submitters: PubMed 9633821 (cited by Labcorp Genetics (formerly Invitae), Labcorp); PubMed 11355152 (cited by Labcorp Genetics (formerly Invitae), Labcorp and Inherited Neuropathy Consortium).